The following is an entry in ClinVar:

NM_000038.6(APC):c.1951del (p.Asp651fs)

Gene: APC (APC regulator of Wnt signaling pathway; plus strand). Cytogenetic location: 5q22.2.
Variant type: Deletion.
Coding change: c.1951del on transcript NM_000038.6 (MANE Select); coding-DNA position 1951, one base deleted (G; older notation c.1951delG).
Protein change: p.Asp651fs; shifts the reading frame from aspartic acid 651.
Molecular consequence: frameshift variant. On other transcripts: non-coding transcript variant (2).
Genome position (GRCh38, 1-based): chr5:112,835,158, G deleted; the last of 2 consecutive G bases (chr5:112,835,157-112,835,158); deleting either gives the same sequence. VCF-style (leftmost placement, unchanged base first): chr5-112835156-AG-A. GRCh37 (hg19) VCF-style: chr5-112170853-AG-A.
Other names: c.1951del, p.Asp651fs (NM_001127510.3, NM_001354895.2, NM_001407450.1); c.1897del, p.Asp633fs (NM_001127511.3); c.2005del, p.Asp669fs (NM_001354896.2, NM_001407447.1, NM_001407448.1 and 1 more transcripts); c.1981del, p.Asp661fs (NM_001354897.2); c.1876del, p.Asp626fs (NM_001354898.2); c.1867del, p.Asp623fs (NM_001354899.2); c.1828del, p.Asp610fs (NM_001354900.2); c.1774del, p.Asp592fs (NM_001354901.2, NM_001407453.1); and 11 more; short protein forms D651fs, D679fs, D560fs, D568fs, D623fs, D644fs, D368fs, D491fs.
Identifiers: ClinVar variation 4120919 (VCV004120919.1).

ClinVar aggregate classification (germline): Pathogenic (1 of 4 stars; one submission).

Conditions:
Hereditary cancer-predisposing syndrome. Also called: Hereditary neoplastic syndrome; Neoplastic Syndromes, Hereditary; Tumor predisposition; Hereditary Cancer Syndrome. Identifiers: Orphanet 140162, MedGen C0027672, MeSH D009386, MONDO:0015356.

Submission:

Ambry Genetics
Classification: Pathogenic for Hereditary cancer-predisposing syndrome. Last evaluated: 2025-07-22. Review status: criteria provided, single submitter. Criteria: Ambry Variant Classification Scheme 2023. Collection method: clinical testing. Allele origin: germline.
Comment: The c.1951delG pathogenic mutation, located in coding exon 14 of the APC gene, results from a deletion of one nucleotide at nucleotide position 1951, causing a translational frameshift with a predicted alternate stop codon (p.D651Tfs*6). This alteration occurs at the 3' terminus of theAPC gene, is not expected to trigger nonsense-mediated mRNA decay, and impacts the last 77% of the protein. However, premature stop codons are typically deleterious in nature, a significant portion of the protein is affected, and the impacted region is critical for protein function (Ambry internal data). This variant was reported in individual(s) with features consistent with APC-related familial adenomatous polyposis (citation; Ambry internal data). This variant is considered to be rare based on population cohorts in the Genome Aggregation Database (gnomAD). Based on the supporting evidence, this variant is interpreted as a disease-causing mutation.